The following is an entry in ClinVar:

NM_002936.6(RNASEH1):c.824G>T (p.Arg275Ile)

Gene: RNASEH1 (ribonuclease H1; minus strand). Cytogenetic location: 2p25.3.
Variant type: single nucleotide variant.
Coding change: c.824G>T on transcript NM_002936.6 (MANE Select); coding-DNA position 824, G replaced by T.
Protein change: p.Arg275Ile; replaces arginine 275 with isoleucine.
Molecular consequence: missense variant. On other transcripts: 3 prime UTR variant (1), non-coding transcript variant (7).
Genome position (GRCh38, 1-based): chr2:3,545,822, C>A on the plus strand (G>T on the coding strand, the complement: RNASEH1 is on the minus strand). VCF-style: chr2-3545822-C-A. GRCh37 (hg19) VCF-style: chr2-3593412-C-A.
Other names: c.746G>T, p.Arg249Ile (NM_001286834.3); c.473G>T, p.Arg158Ile (NM_001286837.3); c.*19G>T (NM_001378271.1); c.821G>T, p.Arg274Ile (NM_001378272.1); c.809G>T, p.Arg270Ile (NM_001378273.1); short protein forms R158I, R249I, R270I, R274I, R275I.
Identifiers: ClinVar variation 3252227 (VCV003252227.1), dbSNP rs141821626.

ClinVar aggregate classification (germline): Uncertain significance (1 of 4 stars; one submission).

Allele frequency attached by ClinVar (database versions not stated): gnomAD exomes below 0.00001; gnomAD 0.00001; TOPMed 0.00003; ESP Exome Variant Server 0.00015.

Submission:

GeneDx
Classification: Uncertain significance. Last evaluated: 2024-05-09. Review status: criteria provided, single submitter. Criteria: GeneDx Variant Classification Process June 2021. Collection method: clinical testing. Allele origin: germline. Affected: yes.
Comment: Not observed at significant frequency in large population cohorts (gnomAD); In silico analysis supports that this missense variant has a deleterious effect on protein structure/function; Has not been previously published as pathogenic or benign to our knowledge